The following is an entry in ClinVar:

NM_020297.4(ABCC9):c.686G>T (p.Trp229Leu)

Gene: ABCC9 (ATP binding cassette subfamily C member 9; minus strand). Cytogenetic location: 12p12.1.
Variant type: single nucleotide variant.
Coding change: c.686G>T on transcript NM_020297.4 (MANE Select); coding-DNA position 686, G replaced by T.
Protein change: p.Trp229Leu; replaces tryptophan 229 with leucine.
Molecular consequence: missense variant. On other transcripts: intron variant (1).
Genome position (GRCh38, 1-based): chr12:21,915,798, C>A on the plus strand (G>T on the coding strand, the complement: ABCC9 is on the minus strand). VCF-style: chr12-21915798-C-A. GRCh37 (hg19) VCF-style: chr12-22068732-C-A.
Other names: c.686G>T, p.Trp229Leu (NM_001377273.1, NM_005691.4); c.-48-2732G>T (NM_001377274.1); short protein forms W229L.
Identifiers: ClinVar variation 1407430 (VCV001407430.9), dbSNP rs932177279, ClinGen allele CA233613416.

ClinVar aggregate classification (germline): Uncertain significance (1 of 4 stars; one submission).

Conditions:
Dilated cardiomyopathy 1O (CMD1O). Also called: CARDIOMYOPATHY, DILATED, WITH VENTRICULAR TACHYCARDIA. Identifiers: Orphanet 154, MedGen C1837839, MONDO:0012062, OMIM 608569.

Allele frequency attached by ClinVar (database versions not stated): TOPMed below 0.00001.
gnomAD v4.1: 1 of 1,613,380 alleles (0.000062%); no homozygotes.

Submission:

Labcorp Genetics (formerly Invitae), Labcorp
Classification: Uncertain significance for Dilated cardiomyopathy 1O. Last evaluated: 2022-10-23. Review status: criteria provided, single submitter. Criteria: Invitae Variant Classification Sherloc (09022015). Collection method: clinical testing. Allele origin: germline.
Comment: Advanced modeling of protein sequence and biophysical properties (such as structural, functional, and spatial information, amino acid conservation, physicochemical variation, residue mobility, and thermodynamic stability) performed at Invitae indicates that this missense variant is expected to disrupt ABCC9 protein function. This sequence change replaces tryptophan, which is neutral and slightly polar, with leucine, which is neutral and non-polar, at codon 229 of the ABCC9 protein (p.Trp229Leu). This variant is not present in population databases (gnomAD no frequency). This variant has not been reported in the literature in individuals affected with ABCC9-related conditions. ClinVar contains an entry for this variant (Variation ID: 1407430). In summary, the available evidence is currently insufficient to determine the role of this variant in disease. Therefore, it has been classified as a Variant of Uncertain Significance.